The following is an entry in ClinVar:

ClinVar aggregate classification (germline): Uncertain significance (1 of 4 stars; one submission).

gnomAD v4.1: 8 of 1,613,906 alleles (0.0005%); highest among the groups gnomAD compares: East Asian, 0.013%; no homozygotes.

Submission:

GeneDx
Classification: Uncertain significance. Last evaluated: 2026-01-28. Review status: criteria provided, single submitter. Criteria: GeneDx Variant Classification Process June 2021. Collection method: clinical testing. Allele origin: germline.
Comment: In silico analysis supports that this missense variant has a deleterious effect on protein structure/function; Has not been previously published as pathogenic or benign to our knowledge

NM_014159.7(SETD2):c.2756A>G (p.Glu919Gly)

Gene: SETD2 (SET domain containing 2, histone lysine methyltransferase; minus strand). Cytogenetic location: 3p21.31.
Variant type: single nucleotide variant.
Coding change: c.2756A>G on transcript NM_014159.7 (MANE Select); coding-DNA position 2756, A replaced by G.
Protein change: p.Glu919Gly; replaces glutamic acid 919 with glycine.
Molecular consequence: missense variant. On other transcripts: non-coding transcript variant (1).
Genome position (GRCh38, 1-based): chr3:47,121,880, T>C on the plus strand (A>G on the coding strand, the complement: SETD2 is on the minus strand). VCF-style: chr3-47121880-T-C. GRCh37 (hg19) VCF-style: chr3-47163370-T-C.
Other names: c.2624A>G, p.Glu875Gly (NM_001349370.3); short protein forms E875G, E919G.
Identifiers: ClinVar variation 4975833 (VCV004975833.1).
Genomic context (GRCh38, chr3:47,121,880, plus strand): 5'-GAATCAGGAAGGTCACTACCTACTTCTACTATTGTTTCTTTCCCTGCATGCTTTAAAAAC[T>C]CTGAACTTTTTTTACTCTTTAGCACTGCATCCAGAACTGGAGATGTGTTCTCTCCGCATT-3'
Protein context (NP_054878.5, residues 909-929): DAVLKSKKSS[Glu919Gly]FLKHAGKETI